The following is an entry in ClinVar:

NM_001018113.3(FANCB):c.2032G>A (p.Glu678Lys)

Gene: FANCB (FA complementation group B; minus strand). Cytogenetic location: Xp22.2.
Variant type: single nucleotide variant.
Coding change: c.2032G>A on transcript NM_001018113.3 (MANE Select); coding-DNA position 2032, G replaced by A.
Protein change: p.Glu678Lys; replaces glutamic acid 678 with lysine.
Molecular consequence: missense variant.
Genome position (GRCh38, 1-based): chrX:14,844,636, C>T on the plus strand (G>A on the coding strand, the complement: FANCB is on the minus strand). VCF-style: chrX-14844636-C-T. GRCh37 (hg19) VCF-style: chrX-14862758-C-T.
Other names: c.2032G>A, p.Glu678Lys (NM_001324162.2, NM_001410764.1, NM_152633.4); short protein forms E678K.
Identifiers: ClinVar variation 4744295 (VCV004744295.1).

ClinVar aggregate classification (germline): Uncertain significance (1 of 4 stars; one submission).

Conditions:
Fanconi anemia (FA). Also called: Fanconi's anemia. Identifiers: Orphanet 84, MedGen C0015625, MeSH D005199, MONDO:0019391.

Submission:

Labcorp Genetics (formerly Invitae), Labcorp
Classification: Uncertain significance for Fanconi anemia. Last evaluated: 2025-12-03. Review status: criteria provided, single submitter. Criteria: Invitae Variant Classification Sherloc (09022015). Collection method: clinical testing. Allele origin: germline.
Comment: This sequence change replaces glutamic acid, which is acidic and polar, with lysine, which is basic and polar, at codon 678 of the FANCB protein (p.Glu678Lys). This variant is not present in population databases (gnomAD no frequency). This variant has not been reported in the literature in individuals affected with FANCB-related conditions. Invitae Evidence Modeling of protein sequence and biophysical properties (such as structural, functional, and spatial information, amino acid conservation, physicochemical variation, residue mobility, and thermodynamic stability) indicates that this missense variant is not expected to disrupt FANCB protein function with a negative predictive value of 80%. In summary, the available evidence is currently insufficient to determine the role of this variant in disease. Therefore, it has been classified as a Variant of Uncertain Significance.